The following is an entry in ClinVar:

ClinVar aggregate classification (germline): Uncertain significance (1 of 4 stars; one submission).

Conditions:
Fanconi anemia complementation group J. Also called: BRIP1-Related Fanconi Anemia. Identifiers: Orphanet 84, MedGen C1836860, MONDO:0012187, OMIM 609054.
Familial cancer of breast. Also called: BREAST CANCER, FAMILIAL; Hereditary breast cancer; hereditary breast carcinoma. Identifiers: Orphanet 227535, MedGen C0346153, MONDO:0016419, OMIM 114480. Disease mechanism: loss of function.

Submission:

Labcorp Genetics (formerly Invitae), Labcorp
Classification: Uncertain significance for Familial cancer of breast; Fanconi anemia complementation group J. Last evaluated: 2023-03-13. Review status: criteria provided, single submitter. Criteria: Invitae Variant Classification Sherloc (09022015). Collection method: clinical testing. Allele origin: germline.
Comment: This variant is not present in population databases (gnomAD no frequency). This sequence change replaces asparagine, which is neutral and polar, with lysine, which is basic and polar, at codon 852 of the BRIP1 protein (p.Asn852Lys). This variant has not been reported in the literature in individuals affected with BRIP1-related conditions. In summary, the available evidence is currently insufficient to determine the role of this variant in disease. Therefore, it has been classified as a Variant of Uncertain Significance. Advanced modeling of protein sequence and biophysical properties (such as structural, functional, and spatial information, amino acid conservation, physicochemical variation, residue mobility, and thermodynamic stability) performed at Invitae indicates that this missense variant is not expected to disrupt BRIP1 protein function.

NM_032043.3(BRIP1):c.2556C>A (p.Asn852Lys)

Gene: BRIP1 (BRCA1 interacting DNA helicase 1; minus strand). Cytogenetic location: 17q23.2.
Variant type: single nucleotide variant.
Coding change: c.2556C>A on transcript NM_032043.3 (MANE Select); coding-DNA position 2556, C replaced by A.
Protein change: p.Asn852Lys; replaces asparagine 852 with lysine.
Molecular consequence: missense variant.
Genome position (GRCh38, 1-based): chr17:61,693,449, G>T on the plus strand (C>A on the coding strand, the complement: BRIP1 is on the minus strand). VCF-style: chr17-61693449-G-T. GRCh37 (hg19) VCF-style: chr17-59770810-G-T.
Other names: short protein forms N852K.
Identifiers: ClinVar variation 2945247 (VCV002945247.3), dbSNP rs876658785, ClinGen allele CA400482377.